The following is an entry in ClinVar:

ClinVar aggregate classification (germline): Pathogenic/Likely pathogenic. Review status: criteria provided, multiple submitters, no conflicts (2 of 4 stars). 7 submissions from 7 submitters: Pathogenic (2); Likely pathogenic (2). 3 of the submissions do not count toward it. Last evaluated 2026-02-21.

Conditions:
Epileptic encephalopathy. Identifiers: MedGen C0543888, HP:0200134.
Developmental and epileptic encephalopathy, 84. Also called: EPILEPTIC ENCEPHALOPATHY, EARLY IFANTILE, 84. Identifiers: MedGen C5394081, MONDO:0032918, OMIM 618792.

Allele frequency attached by ClinVar (database versions not stated): TOPMed 0.00002; gnomAD 0.00005 and 0.00006; gnomAD exomes 0.00002 and 0.00005; ExAC 0.00006.
gnomAD v4.1: 39 of 1,609,660 alleles (0.0024%); highest among the groups gnomAD compares: East Asian, 0.0022%; no homozygotes.

Submissions (7):

GeneDx
Classification: Likely pathogenic. Last evaluated: 2026-02-21. Review status: criteria provided, single submitter. Criteria: GeneDx Variant Classification Process June 2021. Collection method: clinical testing. Allele origin: germline.
Comment: In silico analysis suggests that this missense variant does not alter protein structure/function; This variant is associated with the following publications: (PMID: 39843441, 37644014, 32860008, 33619735, 33090996, 31130284, 38997820, 39460648, 37593999, 32175296, 38292436, 32001716, 32533790, 40828338)

3billion
Classification: Pathogenic for Developmental and epileptic encephalopathy, 84. Last evaluated: 2022-01-03. Review status: criteria provided, single submitter. Criteria: ACMG Guidelines, 2015. Collection method: clinical testing. Allele origin: germline. Affected: yes. Observed: 1 homozygote.
Comment: Same nucleotide change resulting in same amino acid change has been previously reported as pathogenic/likely pathogenic with strong evidence (PMID_32001716, ClinVar ID: VCV000592087, PMID:32175296, PS1_S). The variant has been reported to be in trans with a pathogenic variant as either compound heterozygous or homozygous in at least one similarly affected unrelated individual (PMID: 32001716, PM3_M). In silico tool predictions suggest damaging effect of the variant on gene or gene product (REVEL: 0.634, PP3_P). A missense variant is a common mechanism associated with Developmental and epileptic encephalopathy 84 (PP2_P). It is observed at an extremely low frequency in the gnomAD v2.1.1 dataset (total allele frequency: 0.000046, PM2_M). Therefore, this variant is classified as pathogenic according to the recommendation of ACMG/AMP guideline.

Revvity Omics, Revvity
Classification: Likely pathogenic for Developmental and epileptic encephalopathy, 84. Last evaluated: 2021-02-05. Review status: criteria provided, single submitter. Criteria: ACMG Guidelines, 2015. Collection method: clinical testing. Allele origin: germline.

CENTOGENE GmbH and LLC - Guiding Precision Medicine
Classification: Pathogenic for Developmental and epileptic encephalopathy, 84. Review status: criteria provided, single submitter. Criteria: ACMG Guidelines, 2015. Collection method: clinical testing. Allele origin: germline. Affected: yes.

OMIM
Classification: Pathogenic for DEVELOPMENTAL AND EPILEPTIC ENCEPHALOPATHY 84. Last evaluated: 2020-10-07. Review status: no assertion criteria provided. Collection method: literature only. Allele origin: germline. Not counted in ClinVar's aggregate classification.

Section for Clinical Neurogenetics, University of Tübingen
Classification: Likely pathogenic for Epileptic Encephalopathy. Last evaluated: 2019-10-01. Review status: no assertion criteria provided. Collection method: research. Allele origin: germline. Affected: yes. Not counted in ClinVar's aggregate classification.

Biochemical Molecular Genetic Laboratory, King Abdulaziz Medical City
Classification: Pathogenic for Epileptic encephalopathy. Last evaluated: 2018-01-10. Review status: no assertion criteria provided. Collection method: clinical testing. Allele origin: germline. Affected: yes. Not counted in ClinVar's aggregate classification.

Literature cited by the submitters: PubMed 32001716 (cited by 3 submitters); PubMed 32175296 (cited by 3billion); PubMed 32860008 (cited by CENTOGENE GmbH and LLC - Guiding Precision Medicine).

NM_003359.4(UGDH):c.950G>A (p.Arg317Gln)

Gene: UGDH (UDP-glucose 6-dehydrogenase; minus strand). Cytogenetic location: 4p14.
Variant type: single nucleotide variant.
Coding change: c.950G>A on transcript NM_003359.4 (MANE Select); coding-DNA position 950, G replaced by A.
Protein change: p.Arg317Gln; replaces arginine 317 with glutamine.
Molecular consequence: missense variant.
Genome position (GRCh38, 1-based): chr4:39,505,705, C>T on the plus strand (G>A on the coding strand, the complement: UGDH is on the minus strand). VCF-style: chr4-39505705-C-T. GRCh37 (hg19) VCF-style: chr4-39507325-C-T.
Other names: c.749G>A, p.Arg250Gln (NM_001184700.2); c.659G>A, p.Arg220Gln (NM_001184701.2); short protein forms R317Q, R250Q, R220Q.
Identifiers: ClinVar variation 592087 (VCV000592087.11), dbSNP rs775162839, ClinGen allele CA2895036.